The following is an entry in ClinVar:

NM_000719.7(CACNA1C):c.34G>C (p.Glu12Gln)

Gene: CACNA1C (calcium voltage-gated channel subunit alpha1 C; plus strand). Cytogenetic location: 12p13.33.
Variant type: single nucleotide variant.
Coding change: c.34G>C on transcript NM_000719.7 (MANE Select); coding-DNA position 34, G replaced by C.
Protein change: p.Glu12Gln; replaces glutamic acid 12 with glutamine.
Molecular consequence: missense variant.
Genome position (GRCh38, 1-based): chr12:2,053,596, G>C. VCF-style: chr12-2053596-G-C. GRCh37 (hg19) VCF-style: chr12-2162762-G-C.
Other names: c.34G>C, p.Glu12Gln (NM_001129840.2, NM_001129841.2, NM_001129842.2 and 19 more transcripts); short protein forms E12Q.
Identifiers: ClinVar variation 4801129 (VCV004801129.2).

ClinVar aggregate classification (germline): Uncertain significance. Review status: criteria provided, multiple submitters, no conflicts (2 of 4 stars). 2 submissions from 2 submitters: Uncertain significance (2). Last evaluated 2025-12-23.

Conditions:
Long QT syndrome (LQTS). Identifiers: MedGen C0023976, MeSH D008133, MONDO:0002442. Disease mechanism: loss of function. Inheritance: Various modes of inheritance.
Cardiovascular phenotype. Identifiers: MedGen CN230736.

Submissions (2):

Ambry Genetics
Classification: Uncertain significance for Cardiovascular phenotype. Last evaluated: 2025-12-23. Review status: criteria provided, single submitter. Criteria: Ambry Variant Classification Scheme 2023. Collection method: clinical testing. Allele origin: germline.
Comment: The p.E12Q variant (also known as c.34G>C), located in coding exon 1 of the CACNA1C gene, results from a G to C substitution at nucleotide position 34. The glutamic acid at codon 12 is replaced by glutamine, an amino acid with highly similar properties. This amino acid position is highly conserved in available vertebrate species. In addition, the in silico prediction for this alteration is inconclusive. Based on the available evidence, the clinical significance of this variant remains unclear.

Labcorp Genetics (formerly Invitae), Labcorp
Classification: Uncertain significance for Long QT syndrome. Last evaluated: 2025-08-10. Review status: criteria provided, single submitter. Criteria: Invitae Variant Classification Sherloc (09022015). Collection method: clinical testing. Allele origin: germline.
Comment: This sequence change replaces glutamic acid, which is acidic and polar, with glutamine, which is neutral and polar, at codon 12 of the CACNA1C protein (p.Glu12Gln). This variant is not present in population databases (gnomAD no frequency). This variant has not been reported in the literature in individuals affected with CACNA1C-related conditions. Invitae Evidence Modeling of protein sequence and biophysical properties (such as structural, functional, and spatial information, amino acid conservation, physicochemical variation, residue mobility, and thermodynamic stability) indicates that this missense variant is not expected to disrupt CACNA1C protein function with a negative predictive value of 95%. In summary, the available evidence is currently insufficient to determine the role of this variant in disease. Therefore, it has been classified as a Variant of Uncertain Significance.